The following is an entry in ClinVar:

NM_000051.4(ATM):c.2541G>A (p.Met847Ile)

Gene: ATM (ATM serine/threonine kinase; plus strand). Cytogenetic location: 11q22.3.
Variant type: single nucleotide variant.
Coding change: c.2541G>A on transcript NM_000051.4 (MANE Select); coding-DNA position 2541, G replaced by A.
Protein change: p.Met847Ile; replaces methionine 847 with isoleucine.
Molecular consequence: missense variant.
Genome position (GRCh38, 1-based): chr11:108,267,245, G>A. VCF-style: chr11-108267245-G-A. GRCh37 (hg19) VCF-style: chr11-108137972-G-A.
Other names: c.2541G>A, p.Met847Ile (NM_001351834.2); short protein forms M847I.
Identifiers: ClinVar variation 219510 (VCV000219510.12), dbSNP rs864622131, ClinGen allele CA349947.

ClinVar aggregate classification (germline): Uncertain significance. Review status: criteria provided, multiple submitters, no conflicts (2 of 4 stars). 2 submissions from 2 submitters: Uncertain significance (2). Last evaluated 2025-05-07.

Conditions:
Hereditary cancer-predisposing syndrome. Also called: Tumor predisposition; Hereditary Cancer Syndrome; Neoplastic Syndromes, Hereditary; Hereditary neoplastic syndrome. Identifiers: Orphanet 140162, MedGen C0027672, MeSH D009386, MONDO:0015356.
Ataxia-telangiectasia syndrome (AT). Also called: Cerebello-oculocutaneous telangiectasia; Immunodeficiency with ataxia telangiectasia; Ataxia telangiectasia (A-T); LOUIS-BAR SYNDROME; ATAXIA-TELANGIECTASIA, COMPLEMENTATION GROUP A; ATAXIA-TELANGIECTASIA, FRESNO VARIANT. Identifiers: Orphanet 100, MedGen C0004135, MONDO:0008840, OMIM 208900.

gnomAD v4.1: 1 of 1,614,076 alleles (0.000062%); highest among the groups gnomAD compares: Non-Finnish European, 0.000085%; no homozygotes.

Submissions (2):

Ambry Genetics
Classification: Uncertain significance for Hereditary cancer-predisposing syndrome. Last evaluated: 2025-05-07. Review status: criteria provided, single submitter. Criteria: Ambry Variant Classification Scheme 2023. Collection method: clinical testing. Allele origin: germline.
Comment: The p.M847I variant (also known as c.2541G>A), located in coding exon 16 of the ATM gene, results from a G to A substitution at nucleotide position 2541. The methionine at codon 847 is replaced by isoleucine, an amino acid with highly similar properties. This amino acid position is conserved. In addition, this alteration is predicted to be tolerated by in silico analysis. Since supporting evidence is limited at this time, the clinical significance of this alteration remains unclear.

Labcorp Genetics (formerly Invitae), Labcorp
Classification: Uncertain significance for Ataxia-telangiectasia syndrome. Last evaluated: 2022-06-26. Review status: criteria provided, single submitter. Criteria: Invitae Variant Classification Sherloc (09022015). Collection method: clinical testing. Allele origin: germline.
Comment: In summary, the available evidence is currently insufficient to determine the role of this variant in disease. Therefore, it has been classified as a Variant of Uncertain Significance. Advanced modeling of protein sequence and biophysical properties (such as structural, functional, and spatial information, amino acid conservation, physicochemical variation, residue mobility, and thermodynamic stability) performed at Invitae indicates that this missense variant is not expected to disrupt ATM protein function. ClinVar contains an entry for this variant (Variation ID: 219510). This variant has not been reported in the literature in individuals affected with ATM-related conditions. This variant is not present in population databases (gnomAD no frequency). This sequence change replaces methionine, which is neutral and non-polar, with isoleucine, which is neutral and non-polar, at codon 847 of the ATM protein (p.Met847Ile).